The following is an entry in ClinVar:

ClinVar aggregate classification (germline): Pathogenic (0 of 4 stars; one submission).

Conditions:
Zimmermann-Laband syndrome 1 (ZLS1). Identifiers: Orphanet 3473, MedGen C4551773, MONDO:0024526, OMIM 135500.

Submission:

Reparto di Fisiopatologia delle Malattie Genetiche, Dipartimento di Ematologia, Oncologia; Istituto Superiore di Sanità
Classification: Pathogenic for Laband syndrome. Review status: no assertion criteria provided. Collection method: not provided. Allele origin: de novo.
Comment: Genomic DNA was isolated from peripheral blood leukocytes.
ClinVar note: Converted during submission from pathogenic to Pathogenic.

NM_172362.3(KCNH1):c.1147G>C (p.Val383Leu)

Gene: KCNH1 (potassium voltage-gated channel subfamily H member 1; minus strand). Cytogenetic location: 1q32.2.
Variant type: single nucleotide variant.
Coding change: c.1147G>C on transcript NM_172362.3 (MANE Select); coding-DNA position 1147, G replaced by C.
Protein change: p.Val383Leu; replaces valine 383 with leucine.
Molecular consequence: missense variant.
Genome position (GRCh38, 1-based): chr1:210,919,955, C>G on the plus strand (G>C on the coding strand, the complement: KCNH1 is on the minus strand). VCF-style: chr1-210919955-C-G. GRCh37 (hg19) VCF-style: chr1-211093297-C-G.
Other names: c.1066G>C, p.Val356Leu (NM_002238.4); short protein forms V356L, V383L.
Identifiers: ClinVar variation 183417 (VCV000183417.2), dbSNP rs730882173, ClinGen allele CA215105.
Genomic context (GRCh38, chr1:210,919,955, plus strand): 5'-AGTCCCCAATGCTGTACCAGATGCAGGCCATCCAGTGTGCAGCCAGCCCAAACACACACA[C>G]CAGCAGGACCAGCACAGCAGCTCCATATTCAATGTAGTGGTCCAGCTTACGGGCCACTCG-3'
Protein context (NP_758872.1, residues 373-393): EYGAAVLVLL[Val383Leu]CVFGLAAHWM